The following continues an entry in ClinVar:

NM_000059.4(BRCA2):c.8904del (p.Val2969fs)

Gene: BRCA2. ClinVar aggregate classification (germline): Pathogenic. Pathogenic (1).

Submissions 23 to 31 of 31:

Cancer Genetics and Genomics Laboratory, British Columbia Cancer Agency
Classification: Pathogenic for Hereditary breast ovarian cancer syndrome. Last evaluated: 2017-04-18. Review status: criteria provided, single submitter. Criteria: ACMG Guidelines, 2015. Collection method: clinical testing. Allele origin: germline. Study: The Canadian Open Genetics Repository (COGR). Not counted in ClinVar's aggregate classification.

Molecular Genetics Laboratory, University of Michigan
Classification: Pathogenic for Breast-ovarian cancer, familial, susceptibility to, 2. Last evaluated: 2016-04-21. Review status: criteria provided, single submitter. Criteria: ACMG Guidelines, 2015. Collection method: clinical testing. Allele origin: germline. Affected: yes. Not counted in ClinVar's aggregate classification.

CHEO Genetics Diagnostic Laboratory, Children's Hospital of Eastern Ontario
Classification: Pathogenic for Breast and/or ovarian cancer. Last evaluated: 2016-02-11. Review status: criteria provided, single submitter. Criteria: ACMG Guidelines, 2015. Collection method: clinical testing. Allele origin: germline. Study: Canadian Open Genetics Repository. Not counted in ClinVar's aggregate classification.

Consortium of Investigators of Modifiers of BRCA1/2 (CIMBA), c/o University of Cambridge
Classification: Pathogenic for Breast-ovarian cancer, familial, susceptibility to, 2. Last evaluated: 2015-10-02. Review status: criteria provided, single submitter. Criteria: CIMBA Mutation Classification guidelines May 2016. Collection method: clinical testing. Allele origin: germline. Not counted in ClinVar's aggregate classification.

Foulkes Cancer Genetics LDI, Lady Davis Institute for Medical Research
Classification: Pathogenic for Breast and/or ovarian cancer. Last evaluated: 2015-09-11. Review status: no assertion criteria provided. Collection method: clinical testing. Allele origin: germline. Study: The Canadian Open Genetics Repository (COGR). Not counted in ClinVar's aggregate classification.

Research Molecular Genetics Laboratory, Women's College Hospital, University of Toronto
Classification: Pathogenic for Hereditary breast ovarian cancer syndrome. Last evaluated: 2014-01-31. Review status: no assertion criteria provided. Collection method: research. Allele origin: germline. Affected: yes. Study: The Canadian Open Genetics Repository (COGR). Not counted in ClinVar's aggregate classification.

Sharing Clinical Reports Project (SCRP)
Classification: Pathogenic for Breast-ovarian cancer, familial 2. Last evaluated: 2012-12-03. Review status: no assertion criteria provided. Collection method: clinical testing. Allele origin: germline. Not counted in ClinVar's aggregate classification.

Breast Cancer Information Core (BIC) (BRCA2)
Classification: Pathogenic for Breast-ovarian cancer, familial 2. Last evaluated: 2002-05-29. Review status: no assertion criteria provided. Collection method: clinical testing. Allele origin: germline. Affected: yes. Observed: 37 variant alleles. Not counted in ClinVar's aggregate classification.

Department of Pathology and Laboratory Medicine, Sinai Health System
Classification: Pathogenic for Malignant tumor of breast. Review status: no assertion criteria provided. Collection method: clinical testing. Allele origin: unknown. Affected: yes. Study: The Canadian Open Genetics Repository (COGR). Not counted in ClinVar's aggregate classification.
Comment: The BRCA2, p.Val2969CysfsX7 variant was identified in 4 of 5018 proband chromosomes (frequency: 0.001) from individuals or families with breast, ovarian and prostate cancer (De Leeneer 2010, Evans 2003, Frank 1998, Kote-Jarai 2011). The variant was also identified in dbSNP (ID: rs80359730) â€šÃ„ÃºWith pathogenic alleleâ€šÃ„Ã¹, HGMD, the ClinVar database (classified as a pathogenic variant by the Sharing Clinical Reports Project, derived from Myriad reports; BIC and Ambry Genetics), GeneInsight VariantWire database (2X, classified as â€šÃ„Ãºpathogenicâ€šÃ„Ã¹ by a clinical laboratory) and the BIC database (37X with clinical importance).The variant occurs outside of the splicing consensus sequence and in silico or computational prediction software programs (SpliceSiteFinder, MaxEntScan, NNSPLICE, GeneSplicer, HumanSpliceFinder) do not predict a difference in splicing. The p.Val2969CysfsX7 deletion variant is predicted to cause a frameshift, which alters the protein's amino acid sequence beginning at codon 2969 and leads to a premature stop codon 7 codons downstream. This alteration is then predicted to result in a truncated or absent protein and loss of function. Loss of function variants of the BRCA2 gene are an established mechanism of disease in hereditary breast and ovarian cancer and is the type of variant expected to cause the disorder. In summary, based on the above information, this variant meets our laboratoryâ€šÃ„Ã´s criteria to be classified as pathogenic.

Literature cited by the submitters: PubMed 9667259 (cited by 8 submitters); PubMed 15026808 (cited by 9 submitters); PubMed 21952622 (cited by 9 submitters); PubMed 23035815 (cited by 6 submitters); PubMed 23199084 (cited by Ambry Genetics); PubMed 26724258 (cited by 5 submitters); PubMed 20104584 (cited by Labcorp Genetics (formerly Invitae), Labcorp); PubMed 28284943 (cited by Labcorp Genetics (formerly Invitae), Labcorp); PubMed 10359546 (cited by 3 submitters); PubMed 12750261 (cited by 3 submitters); PubMed 12920083 (cited by 3 submitters); PubMed 12960223 (cited by All of Us Research Program, National Institutes of Health and Color Diagnostics, LLC DBA Color Health); PubMed 15635067 (cited by 3 submitters); PubMed 16234499 (cited by 3 submitters); PubMed 18445692 (cited by 4 submitters); PubMed 18563556 (cited by 3 submitters); PubMed 20807450 (cited by All of Us Research Program, National Institutes of Health and Color Diagnostics, LLC DBA Color Health); PubMed 20815029 (cited by All of Us Research Program, National Institutes of Health and Color Diagnostics, LLC DBA Color Health); PubMed 22711857 (cited by All of Us Research Program, National Institutes of Health and Color Diagnostics, LLC DBA Color Health); PubMed 23569316 (cited by All of Us Research Program, National Institutes of Health and Color Diagnostics, LLC DBA Color Health); PubMed 25186627 (cited by All of Us Research Program, National Institutes of Health and Color Diagnostics, LLC DBA Color Health); PubMed 28831036 (cited by All of Us Research Program, National Institutes of Health and Color Diagnostics, LLC DBA Color Health); PubMed 29446198 (cited by 4 submitters); PubMed 33471991 (cited by All of Us Research Program, National Institutes of Health and Color Diagnostics, LLC DBA Color Health); PubMed 32885271 (cited by Sema4); PubMed 32853339 (cited by Sema4); PubMed 33720054 (cited by Quest Diagnostics Nichols Institute San Juan Capistrano); PubMed 27225637 (cited by Quest Diagnostics Nichols Institute San Juan Capistrano); PubMed 26187060 (cited by Women's Health and Genetics/Laboratory Corporation of America, LabCorp); PubMed 23569310 (cited by Mayo Clinic Laboratories, Mayo Clinic).